The following is an entry in ClinVar:

NM_004385.5(VCAN):c.2393C>T (p.Ala798Val)

Gene: VCAN (versican; plus strand). Cytogenetic location: 5q14.3.
Variant type: single nucleotide variant.
Coding change: c.2393C>T on transcript NM_004385.5 (MANE Select); coding-DNA position 2393, C replaced by T.
Protein change: p.Ala798Val; replaces alanine 798 with valine.
Molecular consequence: missense variant. On other transcripts: intron variant (2).
Genome position (GRCh38, 1-based): chr5:83,520,699, C>T. VCF-style: chr5-83520699-C-T. GRCh37 (hg19) VCF-style: chr5-82816518-C-T.
Other names: c.2393C>T, p.Ala798Val (NM_001164098.2); c.1042+8303C>T (NM_001164097.2, NM_001126336.3); c.2393C>T (NM_004385.4); short protein forms A798V.
Identifiers: ClinVar variation 1467241 (VCV001467241.7), dbSNP rs1167469350, ClinGen allele CA360303838.
Genomic context (GRCh38, chr5:83,520,699, plus strand): 5'-AATATGATGAAAATATTACAACAGTGCTTTTGGCCCATGGTACTTTAAGTGTTGAAGCAG[C>T]CACTGTATCAAAATGGTCATGGGATGAAGATAATACAACATCCAAGCCTTTAGAGTCTAC-3'
Protein context (NP_004376.2, residues 788-808): LAHGTLSVEA[Ala798Val]TVSKWSWDED

ClinVar aggregate classification (germline): Conflicting classifications of pathogenicity. Review status: criteria provided, conflicting classifications (1 of 4 stars). 2 submissions from 2 submitters: Uncertain significance (1); Likely benign (1). Last evaluated 2025-05-04.

Conditions:
Inborn genetic diseases. Identifiers: MedGen C0950123, MeSH D030342.

Allele frequency attached by ClinVar (database versions not stated): gnomAD exomes below 0.00001; gnomAD 0.00001.
gnomAD v4.1: 2 of 1,613,972 alleles (0.00012%); highest among the groups gnomAD compares: African/African-American, 0.0027%; no homozygotes.

Submissions (2):

Ambry Genetics
Classification: Likely benign for Inborn genetic diseases. Last evaluated: 2025-05-04. Review status: criteria provided, single submitter. Criteria: Ambry Variant Classification Scheme 2023. Collection method: clinical testing. Allele origin: germline.

Labcorp Genetics (formerly Invitae), Labcorp
Classification: Uncertain significance. Last evaluated: 2022-07-12. Review status: criteria provided, single submitter. Criteria: Invitae Variant Classification Sherloc (09022015). Collection method: clinical testing. Allele origin: germline.
Comment: This sequence change replaces alanine, which is neutral and non-polar, with valine, which is neutral and non-polar, at codon 798 of the VCAN protein (p.Ala798Val). This variant is present in population databases (no rsID available, gnomAD 0.008%). This variant has not been reported in the literature in individuals affected with VCAN-related conditions. ClinVar contains an entry for this variant (Variation ID: 1467241). Algorithms developed to predict the effect of missense changes on protein structure and function output the following: SIFT: "Tolerated"; PolyPhen-2: "Benign"; Align-GVGD: "Class C0". The valine amino acid residue is found in multiple mammalian species, which suggests that this missense change does not adversely affect protein function. In summary, the available evidence is currently insufficient to determine the role of this variant in disease. Therefore, it has been classified as a Variant of Uncertain Significance.